The following is an entry in ClinVar:

NM_000038.6(APC):c.3336_3340del (p.Asn1113fs)

Gene: APC (APC regulator of Wnt signaling pathway; plus strand). Cytogenetic location: 5q22.2.
Variant type: Deletion.
Coding change: c.3336_3340del on transcript NM_000038.6 (MANE Select); coding-DNA positions 3336 to 3340, 5 bases deleted (AAATC; older notation c.3336_3340delAAATC).
Protein change: p.Asn1113fs; shifts the reading frame from asparagine 1113.
Molecular consequence: frameshift variant.
Genome position (GRCh38, 1-based): chr5:112,838,930-112,838,934, AAATC deleted; deleting any 5 consecutive bases within chr5:112,838,929-112,838,934 gives the same sequence; the c. name uses the placement nearest the transcript's 3' end. VCF-style (leftmost placement, unchanged base first): chr5-112838928-ACAAAT-A. GRCh37 (hg19) VCF-style: chr5-112174625-ACAAAT-A.
Other names: c.3336_3340del, p.Asn1113fs (NM_001127510.3, NM_001354895.2); c.3282_3286del, p.Asn1095fs (NM_001127511.3); c.3390_3394del, p.Asn1131fs (NM_001354896.2); c.3366_3370del, p.Asn1123fs (NM_001354897.2); c.3261_3265del, p.Asn1088fs (NM_001354898.2); c.3252_3256del, p.Asn1085fs (NM_001354899.2); c.3213_3217del, p.Asn1072fs (NM_001354900.2); c.3159_3163del, p.Asn1054fs (NM_001354901.2); and 5 more; short protein forms N1022fs, N1072fs, N1095fs, N1054fs, N1131fs, N1085fs, N1088fs, N1123fs.
Identifiers: ClinVar variation 823623 (VCV000823623.8), dbSNP rs1580634177, ClinGen allele CA658760907.

ClinVar aggregate classification (germline): Pathogenic. Review status: criteria provided, multiple submitters, no conflicts (2 of 4 stars). 3 submissions from 3 submitters: Pathogenic (3). Last evaluated 2023-07-26.

Conditions:
Hereditary cancer-predisposing syndrome. Also called: Neoplastic Syndromes, Hereditary; Tumor predisposition; Hereditary neoplastic syndrome; Hereditary Cancer Syndrome. Identifiers: Orphanet 140162, MedGen C0027672, MeSH D009386, MONDO:0015356.
Familial adenomatous polyposis 1 (FAP1). Also called: POLYPOSIS, ADENOMATOUS INTESTINAL; FAMILIAL ADENOMATOUS POLYPOSIS 1, ATTENUATED. Identifiers: MedGen C2713442, MONDO:0021056, OMIM 175100. Disease mechanism: loss of function.

Submissions (3):

Ambry Genetics
Classification: Pathogenic for Hereditary cancer-predisposing syndrome. Last evaluated: 2023-07-26. Review status: criteria provided, single submitter. Criteria: Ambry Variant Classification Scheme 2023. Collection method: clinical testing. Allele origin: germline.
Comment: The c.3336_3340delAAATC pathogenic mutation, located in coding exon 15 of the APC gene, results from a deletion of 5 nucleotides at nucleotide positions 3336 to 3340, causing a translational frameshift with a predicted alternate stop codon (p.N1113Sfs*4). This pathogenic mutation has been reported in two individuals clinically affected with FAP from a French cohort (Lagarde A J. Med. Genet. 2010 Oct; 47(10):721-2). This variant is considered to be rare based on population cohorts in the Genome Aggregation Database (gnomAD). In addition to the clinical data presented in the literature, this alteration is expected to result in loss of function by premature protein truncation. As such, this alteration is interpreted as a disease-causing mutation.

KCCC/NGS Laboratory, Kuwait Cancer Control Center
Classification: Pathogenic for Familial adenomatous polyposis 1. Last evaluated: 2023-05-29. Review status: criteria provided, single submitter. Criteria: ACMG Guidelines, 2015. Collection method: clinical testing. Allele origin: germline. Inheritance: Autosomal dominant inheritance. Affected: yes. Observed: 1 heterozygote.
Comment: The pathogenic APC mutation was detected in this specimen. The c.3336_3340delAAATC pathogenic mutation, located in coding exon 16 of the APC gene, results from a deletion of 5 nucleotides at nucleotide positions 3336 to 3340, causing a translational frameshift with a predicted alternate stop codon (p.N1113Sfs*4). This pathogenic mutation has been reported in (PMID: 10669993‚ 20685668‚ 29489754‚ 29753700). In addition to the clinical data presented in the literature, this alteration is expected to result in loss of function by premature protein truncation. For these reasons, this variant has been classified as Pathogenic. Pathogenic/Likely pathogenic mutations in the APC gene are associated with familial adenomatous polyposis (FAP), attenuated FAP, and hereditary desmoid.

Myriad Genetics, Inc.
Classification: Pathogenic for Familial adenomatous polyposis 1. Last evaluated: 2023-05-08. Review status: criteria provided, single submitter. Criteria: Myriad Autosomal Dominant, Autosomal Recessive and X-Linked Classification Criteria (2023). Collection method: clinical testing. Allele origin: unknown.
Comment: This variant is considered pathogenic. This variant creates a frameshift predicted to result in premature protein truncation.

Literature cited by the submitters: PubMed 10669993 (cited by Ambry Genetics); PubMed 20685668 (cited by Ambry Genetics); PubMed 29489754 (cited by Ambry Genetics); PubMed 29753700 (cited by Ambry Genetics).